The following is an entry in ClinVar:

ClinVar aggregate classification (germline): Uncertain significance (1 of 4 stars; one submission).

Conditions:
Hereditary cancer-predisposing syndrome. Also called: Hereditary Cancer Syndrome; Neoplastic Syndromes, Hereditary; Tumor predisposition; Hereditary neoplastic syndrome. Identifiers: Orphanet 140162, MedGen C0027672, MeSH D009386, MONDO:0015356.

Submission:

Ambry Genetics
Classification: Uncertain significance for Hereditary cancer-predisposing syndrome. Last evaluated: 2024-09-20. Review status: criteria provided, single submitter. Criteria: Ambry Variant Classification Scheme 2023. Collection method: clinical testing. Allele origin: germline.
Comment: The p.F201L variant (also known as c.603T>G), located in coding exon 4 of the CHEK2 gene, results from a T to G substitution at nucleotide position 603. The phenylalanine at codon 201 is replaced by leucine, an amino acid with highly similar properties. This amino acid position is highly conserved in available vertebrate species. In addition, the in silico prediction for this alteration is inconclusive. Based on the available evidence, the clinical significance of this variant remains unclear.

NM_007194.4(CHEK2):c.603T>G (p.Phe201Leu)

Gene: CHEK2 (checkpoint kinase 2; minus strand). Cytogenetic location: 22q12.1.
Variant type: single nucleotide variant.
Coding change: c.603T>G on transcript NM_007194.4 (MANE Select); coding-DNA position 603, T replaced by G.
Protein change: p.Phe201Leu; replaces phenylalanine 201 with leucine.
Molecular consequence: missense variant. On other transcripts: 5 prime UTR variant (2), intron variant (1).
Genome position (GRCh38, 1-based): chr22:28,719,475, A>C on the plus strand (T>G on the coding strand, the complement: CHEK2 is on the minus strand). VCF-style: chr22-28719475-A-C. GRCh37 (hg19) VCF-style: chr22-29115463-A-C.
Other names: c.732T>G, p.Phe244Leu (NM_001005735.3, NM_001438294.1); c.-61T>G (NM_001257387.3, NM_001437942.1); c.696T>G, p.Phe232Leu (NM_001438293.1, NM_001438295.1); c.603T>G, p.Phe201Leu (NM_145862.3); c.482+5411T>G (NM_001349956.3); short protein forms F201L, F244L, F232L.
Identifiers: ClinVar variation 479602 (VCV000479602.6), dbSNP rs1555924522, ClinGen allele CA411105138.
Genomic context (GRCh38, chr22:28,719,475, plus strand): 5'-GATGTATTCATCTCTTAATGCCTTAGGATAAACTGACTGATCATCTACAGTCAGATCAAA[A>C]AAGACAAAAACTAAGGAAGAAAAGAGTAGAAATGGGTTTCATTAATTTATTCACAAGAGG-3'
Protein context (NP_009125.1, residues 191-211): LSLSRNKVFV[Phe201Leu]FDLTVDDQSV